The following is an entry in ClinVar:

NM_000069.3(CACNA1S):c.5300C>G (p.Pro1767Arg)

Gene: CACNA1S (calcium voltage-gated channel subunit alpha1 S; minus strand). Cytogenetic location: 1q32.1.
Variant type: single nucleotide variant.
Coding change: c.5300C>G on transcript NM_000069.3 (MANE Select); coding-DNA position 5300, C replaced by G.
Protein change: p.Pro1767Arg; replaces proline 1767 with arginine.
Molecular consequence: missense variant.
Genome position (GRCh38, 1-based): chr1:201,040,301, G>C on the plus strand (C>G on the coding strand, the complement: CACNA1S is on the minus strand). VCF-style: chr1-201040301-G-C. GRCh37 (hg19) VCF-style: chr1-201009429-G-C.
Other names: c.5300C>G (NM_000069.2); short protein forms P1767R.
Identifiers: ClinVar variation 2145281 (VCV002145281.7), dbSNP rs749965662, ClinGen allele CA083802.

ClinVar aggregate classification (germline): Uncertain significance. Review status: criteria provided, multiple submitters, no conflicts (2 of 4 stars). 4 submissions from 4 submitters: Uncertain significance (4). Last evaluated 2026-01-26.

Conditions:
Malignant hyperthermia, susceptibility to, 5 (MHS5). Also called: CACNA1S-Related Malignant Hyperthermia Susceptibility. Identifiers: Orphanet 423, MedGen C1866077, MONDO:0011163, OMIM 601887.
Hypokalemic periodic paralysis, type 1. Also called: HypoPP; Hypokalemic Periodic Paralysis Type 1 (AD). Identifiers: Orphanet 681, MedGen C3714580, MONDO:0042979, OMIM 170400.

Allele frequency attached by ClinVar (database versions not stated): ExAC 0.00001; gnomAD 0.00001.
gnomAD v4.1: 4 of 1,613,702 alleles (0.00025%); highest among the groups gnomAD compares: Non-Finnish European, 0.00017%; no homozygotes.

Submissions (4):

Labcorp Genetics (formerly Invitae), Labcorp
Classification: Uncertain significance for Hypokalemic periodic paralysis, type 1; Malignant hyperthermia, susceptibility to, 5. Last evaluated: 2026-01-26. Review status: criteria provided, single submitter. Criteria: Invitae Variant Classification Sherloc (09022015). Collection method: clinical testing. Allele origin: germline.
Comment: This sequence change replaces proline, which is neutral and non-polar, with arginine, which is basic and polar, at codon 1767 of the CACNA1S protein (p.Pro1767Arg). This variant is present in population databases (rs749965662, gnomAD 0.0009%). This variant has not been reported in the literature in individuals affected with CACNA1S-related conditions. ClinVar contains an entry for this variant (Variation ID: 2145281). Invitae Evidence Modeling of protein sequence and biophysical properties (such as structural, functional, and spatial information, amino acid conservation, physicochemical variation, residue mobility, and thermodynamic stability) indicates that this missense variant is not expected to disrupt CACNA1S protein function with a negative predictive value of 95%. In summary, the available evidence is currently insufficient to determine the role of this variant in disease. Therefore, it has been classified as a Variant of Uncertain Significance.

Color Diagnostics, LLC DBA Color Health
Classification: Uncertain significance for Malignant hyperthermia, susceptibility to, 5. Last evaluated: 2025-08-30. Review status: criteria provided, single submitter. Criteria: ACMG Guidelines, 2015. Collection method: clinical testing. Allele origin: germline.
Comment: This missense variant replaces proline with arginine at codon 1767 of the CACNA1S protein. Computational prediction suggests that this variant may not impact protein structure and function. To our knowledge, functional studies have not been reported for this variant. This variant has not been reported in individuals affected with CACNA1S-related disorders in the literature. This variant has been identified in 1/250526 chromosomes in the general population by the Genome Aggregation Database (gnomAD). The available evidence is insufficient to determine the role of this variant in disease conclusively. Therefore, this variant is classified as a Variant of Uncertain Significance.

GeneDx
Classification: Uncertain significance. Last evaluated: 2025-03-10. Review status: criteria provided, single submitter. Criteria: GeneDx Variant Classification Process June 2021. Collection method: clinical testing. Allele origin: germline. Affected: yes.
Comment: Not observed at significant frequency in large population cohorts (gnomAD); In silico analysis supports that this missense variant has a deleterious effect on protein structure/function; Has not been previously published as pathogenic or benign to our knowledge

All of Us Research Program, National Institutes of Health
Classification: Uncertain significance for Malignant hyperthermia, susceptibility to, 5. Last evaluated: 2023-08-15. Review status: criteria provided, single submitter. Criteria: ACMG Guidelines, 2015. Collection method: clinical testing. Allele origin: germline. Inheritance: Autosomal dominant inheritance. Observed: 2 variant alleles, 2 heterozygotes.
Comment: This study involves interpretation of variants in research participants for the purpose of population health screening. Participant phenotype was not available at the time of variant classification. Additional details can be found in publication PMID: 35346344, PMCID: PMC8962531